The following is an entry in ClinVar:

ClinVar aggregate classification (germline): Uncertain significance (1 of 4 stars; one submission).

Conditions:
Hereditary nonpolyposis colorectal neoplasms. Identifiers: MedGen C0009405, MeSH D003123.

Submission:

Labcorp Genetics (formerly Invitae), Labcorp
Classification: Uncertain significance for Hereditary nonpolyposis colorectal neoplasms. Last evaluated: 2024-11-07. Review status: criteria provided, single submitter. Criteria: Invitae Variant Classification Sherloc (09022015). Collection method: clinical testing. Allele origin: germline.
Comment: This sequence change replaces phenylalanine, which is neutral and non-polar, with serine, which is neutral and polar, at codon 546 of the PMS2 protein (p.Phe546Ser). This variant is not present in population databases (gnomAD no frequency). This variant has not been reported in the literature in individuals affected with PMS2-related conditions. Invitae Evidence Modeling incorporating data from in vitro experimental studies (internal data) indicates that this missense variant is not expected to disrupt PMS2 function with a negative predictive value of 95%. In summary, the available evidence is currently insufficient to determine the role of this variant in disease. Therefore, it has been classified as a Variant of Uncertain Significance.

NM_000535.7(PMS2):c.1637T>C (p.Phe546Ser)

Gene: PMS2 (PMS1 homolog 2, mismatch repair system component; minus strand). Cytogenetic location: 7p22.1.
Variant type: single nucleotide variant.
Coding change: c.1637T>C on transcript NM_000535.7 (MANE Select); coding-DNA position 1637, T replaced by C.
Protein change: p.Phe546Ser; replaces phenylalanine 546 with serine.
Molecular consequence: missense variant. On other transcripts: non-coding transcript variant (1), intron variant (1).
Genome position (GRCh38, 1-based): chr7:5,987,128, A>G on the plus strand (T>C on the coding strand, the complement: PMS2 is on the minus strand). VCF-style: chr7-5987128-A-G. GRCh37 (hg19) VCF-style: chr7-6026759-A-G.
Other names: c.1637T>C, p.Phe546Ser (NM_001406871.1, NM_001406872.1, NM_001322014.2); c.1439T>C, p.Phe480Ser (NM_001406873.1); c.1469T>C, p.Phe490Ser (NM_001406874.1); c.1328T>C, p.Phe443Ser (NM_001406875.1, NM_001406877.1, NM_001406878.1 and 5 more transcripts); c.1319T>C, p.Phe440Ser (NM_001406876.1, NM_001322007.2, NM_001322008.2 and 2 more transcripts); c.1232T>C, p.Phe411Ser (NM_001406890.1, NM_001406891.1, NM_001406892.1 and 16 more transcripts); c.1481T>C, p.Phe494Ser (NM_001322006.2, NM_001406870.1); c.1076T>C, p.Phe359Ser (NM_001322010.2, NM_001406906.1, NM_001406907.1); and 13 more; short protein forms F235S, F355S, F434S, F443S, F480S, F494S, F359S, F388S.
Identifiers: ClinVar variation 3664588 (VCV003664588.2).